The following is an entry in ClinVar:

ClinVar aggregate classification (germline): Uncertain significance (1 of 4 stars; one submission).

Allele frequency attached by ClinVar (database versions not stated): TOPMed 0.00001; gnomAD exomes 0.00002.
gnomAD v4.1: 29 of 1,614,060 alleles (0.0018%); highest among the groups gnomAD compares: Non-Finnish European, 0.0024%; no homozygotes.

Submission:

Labcorp Genetics (formerly Invitae), Labcorp
Classification: Uncertain significance. Last evaluated: 2024-11-07. Review status: criteria provided, single submitter. Criteria: Invitae Variant Classification Sherloc (09022015). Collection method: clinical testing. Allele origin: germline.
Comment: This sequence change replaces valine, which is neutral and non-polar, with alanine, which is neutral and non-polar, at codon 742 of the USH2A protein (p.Val742Ala). This variant is present in population databases (no rsID available, gnomAD 0.0009%). This variant has not been reported in the literature in individuals affected with USH2A-related conditions. ClinVar contains an entry for this variant (Variation ID: 1982901). Invitae Evidence Modeling of protein sequence and biophysical properties (such as structural, functional, and spatial information, amino acid conservation, physicochemical variation, residue mobility, and thermodynamic stability) indicates that this missense variant is not expected to disrupt USH2A protein function with a negative predictive value of 95%. In summary, the available evidence is currently insufficient to determine the role of this variant in disease. Therefore, it has been classified as a Variant of Uncertain Significance.

NM_206933.4(USH2A):c.2225T>C (p.Val742Ala)

Gene: USH2A (usherin; minus strand). Cytogenetic location: 1q41.
Variant type: single nucleotide variant.
Coding change: c.2225T>C on transcript NM_206933.4 (MANE Select); coding-DNA position 2225, T replaced by C.
Protein change: p.Val742Ala; replaces valine 742 with alanine.
Molecular consequence: missense variant.
Genome position (GRCh38, 1-based): chr1:216,247,169, A>G on the plus strand (T>C on the coding strand, the complement: USH2A is on the minus strand). VCF-style: chr1-216247169-A-G. GRCh37 (hg19) VCF-style: chr1-216420511-A-G.
Other names: c.2225T>C, p.Val742Ala (NM_007123.6); short protein forms V742A.
Identifiers: ClinVar variation 1982901 (VCV001982901.2), dbSNP rs1313107774, ClinGen allele CA344865525.
Genomic context (GRCh38, chr1:216,247,169, plus strand): 5'-TGAGGATTGCAGAATTTGTTCACTGAGCCATGGAGGTTACACTGGCAGGGCTCACATCCA[A>G]CATCATTAAAGCTTCGGAGAAATTTAAATCCAAAATTGCAATGATCACACCTAAGCCCTA-3'
Protein context (NP_996816.3, residues 732-752): GFKFLRSFND[Val742Ala]GCEPCQCNLH